The following is an entry in ClinVar:

NM_000352.6(ABCC8):c.67A>C (p.Asn23His)

Gene: ABCC8 (ATP binding cassette subfamily C member 8; minus strand). Cytogenetic location: 11p15.1.
Variant type: single nucleotide variant.
Coding change: c.67A>C on transcript NM_000352.6 (MANE Select); coding-DNA position 67, A replaced by C.
Protein change: p.Asn23His; replaces asparagine 23 with histidine.
Molecular consequence: missense variant. On other transcripts: non-coding transcript variant (1).
Genome position (GRCh38, 1-based): chr11:17,476,710, T>G on the plus strand (A>C on the coding strand, the complement: ABCC8 is on the minus strand). VCF-style: chr11-17476710-T-G. GRCh37 (hg19) VCF-style: chr11-17498257-T-G.
Other names: c.67A>C, p.Asn23His (NM_001287174.3, NM_001351295.2, NM_001351296.2 and 1 more transcripts); short protein forms N23H.
Identifiers: ClinVar variation 2780206 (VCV002780206.3), dbSNP rs774248683, ClinGen allele CA379790082.

ClinVar aggregate classification (germline): Likely pathogenic (1 of 4 stars; one submission).

Submission:

Labcorp Genetics (formerly Invitae), Labcorp
Classification: Likely pathogenic. Last evaluated: 2023-03-22. Review status: criteria provided, single submitter. Criteria: Invitae Variant Classification Sherloc (09022015). Collection method: clinical testing. Allele origin: germline.
Comment: This sequence change replaces asparagine, which is neutral and polar, with histidine, which is basic and polar, at codon 23 of the ABCC8 protein (p.Asn23His). This variant is not present in population databases (gnomAD no frequency). This missense change has been observed in individual(s) with autosomal recessive permanent neonatal diabetes mellitus (PMID: 19021632). In at least one individual the data is consistent with being in trans (on the opposite chromosome) from a pathogenic variant. Advanced modeling of protein sequence and biophysical properties (such as structural, functional, and spatial information, amino acid conservation, physicochemical variation, residue mobility, and thermodynamic stability) performed at Invitae indicates that this missense variant is expected to disrupt ABCC8 protein function. In summary, the currently available evidence indicates that the variant is pathogenic, but additional data are needed to prove that conclusively. Therefore, this variant has been classified as Likely Pathogenic.

Literature cited by the submitters: PubMed 19021632.